The following is an entry in ClinVar:

NM_000138.5(FBN1):c.4197C>T (p.Gly1399=)

Gene: FBN1 (fibrillin 1; minus strand). Cytogenetic location: 15q21.1.
Variant type: single nucleotide variant.
Coding change: c.4197C>T on transcript NM_000138.5 (MANE Select); coding-DNA position 4197, C replaced by T.
Protein change: p.Gly1399=; no amino-acid change (glycine 1399 retained).
Molecular consequence: synonymous variant.
Genome position (GRCh38, 1-based): chr15:48,474,268, G>A on the plus strand (C>T on the coding strand, the complement: FBN1 is on the minus strand). VCF-style: chr15-48474268-G-A. GRCh37 (hg19) VCF-style: chr15-48766465-G-A.
Other names: c.4197C>T, p.Gly1399= (NM_001406716.1).
Identifiers: ClinVar variation 2134413 (VCV002134413.5), dbSNP rs376886165, ClinGen allele CA052163.

ClinVar aggregate classification (germline): Conflicting classifications of pathogenicity. Review status: criteria provided, conflicting classifications (1 of 4 stars). 2 submissions from 2 submitters: Uncertain significance (1); Likely benign (1). Last evaluated 2025-04-11.

Conditions:
Familial thoracic aortic aneurysm and aortic dissection (TAAD). Also called: Thoracic aortic aneurysms and dissections. Identifiers: Orphanet 91387, MedGen C4707243, MONDO:0019625.
Marfan syndrome (MFS). Also called: MARFAN SYNDROME, TYPE I; Marfan syndrome type 1; Marfan's syndrome; Marfan syndrome, classic; FBN1-Related Marfan Syndrome. Identifiers: Orphanet 284963, Orphanet 558, MedGen C0024796, MONDO:0007947, OMIM 154700.

Allele frequency attached by ClinVar (database versions not stated): gnomAD 0.00003; ESP Exome Variant Server 0.00008; gnomAD exomes below 0.00001; TOPMed 0.00002; ExAC 0.00002.
gnomAD v4.1: 6 of 1,613,950 alleles (0.00037%); highest among the groups gnomAD compares: African/African-American, 0.0067%; no homozygotes.

Submissions (2):

Color Diagnostics, LLC DBA Color Health
Classification: Uncertain significance for Familial thoracic aortic aneurysm and aortic dissection. Last evaluated: 2025-04-11. Review status: criteria provided, single submitter. Criteria: ACMG Guidelines, 2015. Collection method: clinical testing. Allele origin: germline.
Comment: This synonymous variant causes a nucleotide substitution but does not change the encoded amino acid at codon 1399 of the FBN1 protein. To our knowledge, functional studies have not been reported for this variant. This variant has not been reported in individuals affected with FBN1-related disorders in the literature. This variant has been identified in 4/282778 chromosomes in the general population by the Genome Aggregation Database (gnomAD). The available evidence is insufficient to determine the role of this variant in disease conclusively. Therefore, this variant is classified as a Variant of Uncertain Significance.

Labcorp Genetics (formerly Invitae), Labcorp
Classification: Likely benign for Marfan syndrome; Familial thoracic aortic aneurysm and aortic dissection. Last evaluated: 2023-11-01. Review status: criteria provided, single submitter. Criteria: Invitae Variant Classification Sherloc (09022015). Collection method: clinical testing. Allele origin: germline.